The following is an entry in ClinVar:

ClinVar aggregate classification (germline): Uncertain significance (1 of 4 stars; one submission).

Conditions:
Developmental and epileptic encephalopathy, 23 (DEE23). Also called: Epileptic encephalopathy, early infantile, 23. Identifiers: Orphanet 411986, MedGen C4014492, MONDO:0014371, OMIM 615859.

Allele frequency attached by ClinVar (database versions not stated): TOPMed below 0.00001.

Submission:

Labcorp Genetics (formerly Invitae), Labcorp
Classification: Uncertain significance for Developmental and epileptic encephalopathy, 23. Last evaluated: 2022-06-23. Review status: criteria provided, single submitter. Criteria: Invitae Variant Classification Sherloc (09022015). Collection method: clinical testing. Allele origin: germline.
Comment: This variant is not present in population databases (gnomAD no frequency). This sequence change replaces methionine, which is neutral and non-polar, with valine, which is neutral and non-polar, at codon 1410 of the DOCK7 protein (p.Met1410Val). This variant has not been reported in the literature in individuals affected with DOCK7-related conditions. Algorithms developed to predict the effect of missense changes on protein structure and function are either unavailable or do not agree on the potential impact of this missense change (SIFT: "Deleterious"; PolyPhen-2: "Probably Damaging"; Align-GVGD: "Class C0"). In summary, the available evidence is currently insufficient to determine the role of this variant in disease. Therefore, it has been classified as a Variant of Uncertain Significance.

NM_001367561.1(DOCK7):c.4228A>G (p.Met1410Val)

Gene: DOCK7 (dedicator of cytokinesis 7; minus strand). Cytogenetic location: 1p31.3.
Variant type: single nucleotide variant.
Coding change: c.4228A>G on transcript NM_001367561.1 (MANE Select); coding-DNA position 4228, A replaced by G.
Protein change: p.Met1410Val; replaces methionine 1410 with valine.
Molecular consequence: missense variant.
Genome position (GRCh38, 1-based): chr1:62,513,498, T>C on the plus strand (A>G on the coding strand, the complement: DOCK7 is on the minus strand). VCF-style: chr1-62513498-T-C. GRCh37 (hg19) VCF-style: chr1-62979169-T-C.
Other names: c.4228A>G, p.Met1410Val (NM_001271999.2, NM_001330614.2); c.4135A>G, p.Met1379Val (NM_001272000.2, NM_001272001.2, NM_033407.4); short protein forms M1410V, M1379V.
Identifiers: ClinVar variation 2009740 (VCV002009740.4), dbSNP rs1644562728, ClinGen allele CA340624063.